The following is an entry in ClinVar:

NM_014550.4(CARD10):c.635G>A (p.Arg212His)

Gene: CARD10 (caspase recruitment domain family member 10; minus strand). Cytogenetic location: 22q13.1.
Variant type: single nucleotide variant.
Coding change: c.635G>A on transcript NM_014550.4 (MANE Select); coding-DNA position 635, G replaced by A.
Protein change: p.Arg212His; replaces arginine 212 with histidine.
Molecular consequence: missense variant.
Genome position (GRCh38, 1-based): chr22:37,516,037, C>T on the plus strand (G>A on the coding strand, the complement: CARD10 is on the minus strand). VCF-style: chr22-37516037-C-T. GRCh37 (hg19) VCF-style: chr22-37912044-C-T.
Other names: short protein forms R212H.
Identifiers: ClinVar variation 224912 (VCV000224912.2), dbSNP rs1057519378, ClinGen allele CA16044149.

ClinVar aggregate classification (germline): risk factor (0 of 4 stars; one submission).

Conditions:
Primary open angle glaucoma (POAG). Also called: OPTN-related open angle glaucoma. Identifiers: MedGen C0339573, MONDO:0100553, OMIM 137760.

Allele frequency attached by ClinVar (database versions not stated): TOPMed below 0.00001.

Submission:

Flinders Ophthalmology, Flinders University
Classification: risk factor for Primary open angle glaucoma. Last evaluated: 2016-03-29. Review status: no assertion criteria provided. Collection method: case-control. Allele origin: unknown. Affected: yes. Observed: 1 variant allele.
Comment: GWAS associated gene CARD10

Literature cited by the submitters: PubMed 27896285.